The following is an entry in ClinVar:

ClinVar aggregate classification (germline): Uncertain significance (0 of 4 stars; one submission).

Conditions:
Fanconi anemia complementation group A (FANCA). Also called: FANCA-Related Fanconi Anemia; Fanconi anemia, group A. Identifiers: Orphanet 84, MedGen C3469521, MONDO:0009215, OMIM 227650.

Allele frequency attached by ClinVar (database versions not stated): gnomAD exomes below 0.00001.
gnomAD v4.1: 1 of 1,614,002 alleles (0.000062%); highest among the groups gnomAD compares: Non-Finnish European, 0.000085%; no homozygotes.

Submission:

Istanbul Faculty of Medicine, Istanbul University
Classification: Uncertain significance for Fanconi anemia, complementation group A. Last evaluated: 2020-03-17. Review status: no assertion criteria provided. Collection method: clinical testing. Allele origin: de novo. Affected: yes. Observed: 1 variant allele.
Comment: Segregates in family

Literature cited by the submitters: DOI 10.1159/000509838.

NM_000135.4(FANCA):c.2504+3G>A

Gene: FANCA (FA complementation group A; minus strand). Cytogenetic location: 16q24.3.
Variant type: single nucleotide variant.
Coding change: c.2504+3G>A on transcript NM_000135.4 (MANE Select); 3 bases into the intron after coding-DNA position 2504, G replaced by A.
Molecular consequence: intron variant.
Genome position (GRCh38, 1-based): chr16:89,769,834, C>T on the plus strand (G>A on the coding strand, the complement: FANCA is on the minus strand). VCF-style: chr16-89769834-C-T. GRCh37 (hg19) VCF-style: chr16-89836242-C-T.
Other names: c.2504+3G>A (NM_001286167.3).
Identifiers: ClinVar variation 915872 (VCV000915872.3), dbSNP rs2039260426, ClinGen allele CA1139665010.
Genomic context (GRCh38, chr16:89,769,834, plus strand): 5'-AACGAGCATGTGTCACTTTTCGAGAGAGAGGAGAGAAGACGCGACTGTGGAAGAAGAGCT[C>T]ACTTCAGGCAGAAGAACAAGGAATCCCTCGTCCTACAGGTCAGGAGGCTGTCAAAGAGCG-3'